The following is an entry in ClinVar:

ClinVar aggregate classification (germline): Uncertain significance (1 of 4 stars; one submission).

Conditions:
Progressive myoclonic epilepsy. Also called: Familial progressive myoclonic epilepsy; Myoclonus epilepsy; Progressive myoclonus epilepsy; Myoclonic Epilepsies, Progressive. Identifiers: Orphanet 308, Orphanet 98261, MedGen C0751778, MONDO:0020074.

Allele frequency attached by ClinVar (database versions not stated): TOPMed 0.00001.
gnomAD v4.1: 35 of 1,613,824 alleles (0.0022%); highest among the groups gnomAD compares: Non-Finnish European, 0.0029%; no homozygotes.

Submission:

Labcorp Genetics (formerly Invitae), Labcorp
Classification: Uncertain significance for Progressive myoclonic epilepsy. Last evaluated: 2020-09-09. Review status: criteria provided, single submitter. Criteria: Invitae Variant Classification Sherloc (09022015). Collection method: clinical testing. Allele origin: germline.
Comment: This sequence change replaces valine with leucine at codon 207 of the GOSR2 protein (p.Val207Leu). The valine residue is moderately conserved and there is a small physicochemical difference between valine and leucine. This variant is present in population databases (rs780839289, ExAC 0.001%). This variant has not been reported in the literature in individuals with GOSR2-related conditions. Algorithms developed to predict the effect of missense changes on protein structure and function (SIFT, PolyPhen-2, Align-GVGD) all suggest that this variant is likely to be tolerated, but these predictions have not been confirmed by published functional studies and their clinical significance is uncertain. In summary, the available evidence is currently insufficient to determine the role of this variant in disease. Therefore, it has been classified as a Variant of Uncertain Significance.

NM_004287.5(GOSR2):c.619G>T (p.Val207Leu)

Genes: GOSR2 (golgi SNAP receptor complex member 2; plus strand), LRRC37A2 (leucine rich repeat containing 37 member A2). Cytogenetic location: 17q21.32.
Variant type: single nucleotide variant.
Coding change: c.619G>T on transcript NM_004287.5 (MANE Select); coding-DNA position 619, G replaced by T.
Protein change: p.Val207Leu; replaces valine 207 with leucine.
Molecular consequence: missense variant. On other transcripts: intron variant (3).
Genome position (GRCh38, 1-based): chr17:46,938,740, G>T. VCF-style: chr17-46938740-G-T. GRCh37 (hg19) VCF-style: chr17-45016106-G-T.
Other names: c.424G>T, p.Val142Leu (NM_001321134.2); c.478G>T, p.Val160Leu (NM_001330252.2); c.616G>T, p.Val206Leu (NM_001353114.2); c.475G>T, p.Val159Leu (NM_001353115.2); c.565G>T, p.Val189Leu (NM_001363851.2); c.583+36G>T (NM_001321133.2, NM_054022.4); c.439+36G>T (NM_001353116.2); short protein forms V142L, V159L, V160L, V189L, V206L, V207L.
Identifiers: ClinVar variation 1017945 (VCV001017945.7), dbSNP rs780839289, ClinGen allele CA8621365.